The following is an entry in ClinVar:

ClinVar aggregate classification (germline): Uncertain significance (1 of 4 stars; one submission).

Submission:

Labcorp Genetics (formerly Invitae), Labcorp
Classification: Uncertain significance. Last evaluated: 2023-10-15. Review status: criteria provided, single submitter. Criteria: Invitae Variant Classification Sherloc (09022015). Collection method: clinical testing. Allele origin: germline.
Comment: This sequence change replaces valine, which is neutral and non-polar, with leucine, which is neutral and non-polar, at codon 595 of the CTNNA1 protein (p.Val595Leu). This variant is not present in population databases (gnomAD no frequency). This variant has not been reported in the literature in individuals affected with CTNNA1-related conditions. ClinVar contains an entry for this variant (Variation ID: 1495652). An algorithm developed to predict the effect of missense changes on protein structure and function (PolyPhen-2) suggests that this variant is likely to be tolerated. In summary, the available evidence is currently insufficient to determine the role of this variant in disease. Therefore, it has been classified as a Variant of Uncertain Significance.

NM_001903.5(CTNNA1):c.1783G>T (p.Val595Leu)

Gene: CTNNA1 (catenin alpha 1; plus strand). Cytogenetic location: 5q31.2.
Variant type: single nucleotide variant.
Coding change: c.1783G>T on transcript NM_001903.5 (MANE Select); coding-DNA position 1783, G replaced by T.
Protein change: p.Val595Leu; replaces valine 595 with leucine.
Molecular consequence: missense variant.
Genome position (GRCh38, 1-based): chr5:138,925,291, G>T. VCF-style: chr5-138925291-G-T. GRCh37 (hg19) VCF-style: chr5-138260980-G-T.
Other names: c.1783G>T, p.Val595Leu (NM_001290307.3, NM_001323982.2, NM_001323983.1 and 2 more transcripts); c.1474G>T, p.Val492Leu (NM_001290309.3); c.1414G>T, p.Val472Leu (NM_001290310.3); c.673G>T, p.Val225Leu (NM_001290312.1, NM_001323987.1, NM_001323988.1 and 17 more transcripts); c.1690G>T, p.Val564Leu (NM_001323986.2); c.334G>T, p.Val112Leu (NM_001324006.1, NM_001324007.1, NM_001324008.1 and 2 more transcripts); c.580G>T, p.Val194Leu (NM_001324011.1); c.430G>T, p.Val144Leu (NM_001324012.1, NM_001324013.1); short protein forms V194L, V225L, V595L, V472L, V492L, V564L, V112L, V144L.
Identifiers: ClinVar variation 1495652 (VCV001495652.8), dbSNP rs757780458, ClinGen allele CA361132196.